The following is an entry in ClinVar:

ClinVar aggregate classification (germline): Uncertain significance (1 of 4 stars; one submission).

Submission:

Labcorp Genetics (formerly Invitae), Labcorp
Classification: Uncertain significance. Last evaluated: 2022-02-22. Review status: criteria provided, single submitter. Criteria: Invitae Variant Classification Sherloc (09022015). Collection method: clinical testing. Allele origin: germline.
Comment: This sequence change replaces aspartic acid, which is acidic and polar, with valine, which is neutral and non-polar, at codon 919 of the TAOK2 protein (p.Asp919Val). This variant is not present in population databases (gnomAD no frequency). In summary, the available evidence is currently insufficient to determine the role of this variant in disease. Therefore, it has been classified as a Variant of Uncertain Significance. Algorithms developed to predict the effect of missense changes on protein structure and function are either unavailable or do not agree on the potential impact of this missense change (SIFT: "Deleterious"; PolyPhen-2: "Probably Damaging"; Align-GVGD: "Class C0"). This variant has not been reported in the literature in individuals affected with TAOK2-related conditions.

NM_016151.4(TAOK2):c.2756A>T (p.Asp919Val)

Gene: TAOK2 (TAO kinase 2; plus strand). Cytogenetic location: 16p11.2.
Variant type: single nucleotide variant.
Coding change: c.2756A>T on transcript NM_016151.4 (MANE Select); coding-DNA position 2756, A replaced by T.
Protein change: p.Asp919Val; replaces aspartic acid 919 with valine.
Molecular consequence: missense variant. On other transcripts: intron variant (1).
Genome position (GRCh38, 1-based): chr16:29,987,028, A>T. VCF-style: chr16-29987028-A-T. GRCh37 (hg19) VCF-style: chr16-29998349-A-T.
Other names: c.2417A>T, p.Asp806Val (NM_001252043.2); c.2232+524A>T (NM_004783.4); short protein forms D806V, D919V.
Identifiers: ClinVar variation 2102100 (VCV002102100.4), dbSNP rs2543666614, ClinGen allele CA395494455.